The following is an entry in ClinVar:

NM_013276.4(SHPK):c.620C>T (p.Thr207Met)

Gene: SHPK (sedoheptulokinase; minus strand). Cytogenetic location: 17p13.2.
Variant type: single nucleotide variant.
Coding change: c.620C>T on transcript NM_013276.4 (MANE Select); coding-DNA position 620, C replaced by T.
Protein change: p.Thr207Met; replaces threonine 207 with methionine.
Molecular consequence: missense variant.
Genome position (GRCh38, 1-based): chr17:3,623,366, G>A on the plus strand (C>T on the coding strand, the complement: SHPK is on the minus strand). VCF-style: chr17-3623366-G-A. GRCh37 (hg19) VCF-style: chr17-3526660-G-A.
Other names: short protein forms T207M.
Identifiers: ClinVar variation 2261058 (VCV002261058.5), dbSNP rs141473852, ClinGen allele CA8291277.

ClinVar aggregate classification (germline): Uncertain significance. Review status: criteria provided, multiple submitters, no conflicts (2 of 4 stars). 2 submissions from 2 submitters: Uncertain significance (2). Last evaluated 2024-08-14.

Allele frequency attached by ClinVar (database versions not stated): ExAC 0.00026; 1000 Genomes Project 30x 0.00031; ESP Exome Variant Server 0.00038; 1000 Genomes Project 0.00040.
gnomAD v4.1: 472 of 1,614,188 alleles (0.029%); highest among the groups gnomAD compares: South Asian, 0.057%; 1 homozygote.

Submissions (2):

Labcorp Genetics (formerly Invitae), Labcorp
Classification: Uncertain significance. Last evaluated: 2024-08-14. Review status: criteria provided, single submitter. Criteria: Invitae Variant Classification Sherloc (09022015). Collection method: clinical testing. Allele origin: germline.
Comment: This sequence change replaces threonine, which is neutral and polar, with methionine, which is neutral and non-polar, at codon 207 of the SHPK protein (p.Thr207Met). This variant is present in population databases (rs141473852, gnomAD 0.07%), and has an allele count higher than expected for a pathogenic variant. This variant has not been reported in the literature in individuals affected with SHPK-related conditions. ClinVar contains an entry for this variant (Variation ID: 2261058). An algorithm developed to predict the effect of missense changes on protein structure and function (PolyPhen-2) suggests that this variant is likely to be disruptive. In summary, the available evidence is currently insufficient to determine the role of this variant in disease. Therefore, it has been classified as a Variant of Uncertain Significance.

Ambry Genetics
Classification: Uncertain significance. Last evaluated: 2024-06-17. Review status: criteria provided, single submitter. Criteria: Ambry Variant Classification Scheme 2023. Collection method: clinical testing. Allele origin: germline.